The following is an entry in ClinVar:

NM_144997.7(FLCN):c.1168G>A (p.Val390Ile)

Gene: FLCN (folliculin; minus strand). Cytogenetic location: 17p11.2.
Variant type: single nucleotide variant.
Coding change: c.1168G>A on transcript NM_144997.7 (MANE Select); coding-DNA position 1168, G replaced by A.
Protein change: p.Val390Ile; replaces valine 390 with isoleucine.
Molecular consequence: missense variant.
Genome position (GRCh38, 1-based): chr17:17,217,077, C>T on the plus strand (G>A on the coding strand, the complement: FLCN is on the minus strand). VCF-style: chr17-17217077-C-T. GRCh37 (hg19) VCF-style: chr17-17120391-C-T.
Other names: c.1222G>A, p.Val408Ile (NM_001353229.2); c.1168G>A, p.Val390Ile (NM_001353230.2, NM_001353231.2); short protein forms V390I, V408I.
Identifiers: ClinVar variation 818487 (VCV000818487.15), dbSNP rs991762823, ClinGen allele CA288308050.

ClinVar aggregate classification (germline): Uncertain significance. Review status: criteria provided, multiple submitters, no conflicts (2 of 4 stars). 3 submissions from 3 submitters: Uncertain significance (3). Last evaluated 2025-11-05.

Conditions:
Hereditary cancer-predisposing syndrome. Also called: Hereditary Cancer Syndrome; Neoplastic Syndromes, Hereditary; Hereditary neoplastic syndrome; Tumor predisposition. Identifiers: Orphanet 140162, MedGen C0027672, MeSH D009386, MONDO:0015356.
Birt-Hogg-Dube syndrome. Also called: Birt Hogg Dubé syndrome. Identifiers: Orphanet 122, MedGen C0346010, MONDO:0800444.

Allele frequency attached by ClinVar (database versions not stated): TOPMed below 0.00001; gnomAD 0.00001; gnomAD exomes 0.00001.
gnomAD v4.1: 9 of 1,611,358 alleles (0.00056%); highest among the groups gnomAD compares: Admixed American, 0.0017%; no homozygotes.

Submissions (3):

Labcorp Genetics (formerly Invitae), Labcorp
Classification: Uncertain significance for Birt-Hogg-Dube syndrome. Last evaluated: 2025-11-05. Review status: criteria provided, single submitter. Criteria: Invitae Variant Classification Sherloc (09022015). Collection method: clinical testing. Allele origin: germline.
Comment: This sequence change replaces valine, which is neutral and non-polar, with isoleucine, which is neutral and non-polar, at codon 390 of the FLCN protein (p.Val390Ile). This variant is not present in population databases (gnomAD no frequency). This variant has not been reported in the literature in individuals affected with FLCN-related conditions. ClinVar contains an entry for this variant (Variation ID: 818487). Invitae Evidence Modeling of protein sequence and biophysical properties (such as structural, functional, and spatial information, amino acid conservation, physicochemical variation, residue mobility, and thermodynamic stability) indicates that this missense variant is not expected to disrupt FLCN protein function with a negative predictive value of 80%. In summary, the available evidence is currently insufficient to determine the role of this variant in disease. Therefore, it has been classified as a Variant of Uncertain Significance.

Ambry Genetics
Classification: Uncertain significance for Hereditary cancer-predisposing syndrome. Last evaluated: 2024-05-11. Review status: criteria provided, single submitter. Criteria: Ambry Variant Classification Scheme 2023. Collection method: clinical testing. Allele origin: germline.
Comment: The p.V390I variant (also known as c.1168G>A), located in coding exon 7 of the FLCN gene, results from a G to A substitution at nucleotide position 1168. The valine at codon 390 is replaced by isoleucine, an amino acid with highly similar properties. This amino acid position is highly conserved in available vertebrate species. In addition, the in silico prediction for this alteration is inconclusive. Since supporting evidence is limited at this time, the clinical significance of this alteration remains unclear.

Institute for Clinical Genetics, University Hospital TU Dresden, University Hospital TU Dresden
Classification: Uncertain significance. Last evaluated: 2021-11-03. Review status: criteria provided, single submitter. Criteria: ACMG Guidelines, 2015. Collection method: clinical testing. Allele origin: germline.